The following is an entry in ClinVar:

ClinVar aggregate classification (germline): Likely pathogenic (1 of 4 stars; one submission).

Submission:

CeGaT Center for Human Genetics Tuebingen
Classification: Likely pathogenic. Last evaluated: 2025-07-01. Review status: criteria provided, single submitter. Criteria: CeGaT Center For Human Genetics Tuebingen Variant Classification Criteria Version 2. Collection method: clinical testing. Allele origin: germline. Affected: yes. Observed: 2 variant alleles.
Comment: TTN: PVS1:Strong, PM2

NM_001267550.2(TTN):c.37135C>T (p.Gln12379Ter)

Gene: TTN (titin; minus strand). Cytogenetic location: 2q31.2.
Variant type: single nucleotide variant.
Coding change: c.37135C>T on transcript NM_001267550.2 (MANE Select); coding-DNA position 37135, C replaced by T.
Protein change: p.Gln12379Ter; replaces glutamine 12379 with a stop codon.
Molecular consequence: nonsense. On other transcripts: intron variant (5).
Genome position (GRCh38, 1-based): chr2:178,662,014, G>A on the plus strand (C>T on the coding strand, the complement: TTN is on the minus strand). VCF-style: chr2-178662014-G-A. GRCh37 (hg19) VCF-style: chr2-179526741-G-A.
Other names: c.13283-19697C>T (NM_003319.4); c.13859-19697C>T (NM_133437.4); c.13658-19697C>T (NM_133432.3); c.31573+952C>T (NM_133378.4); c.34354+952C>T (NM_001256850.1); short protein forms Q12379*.
Identifiers: ClinVar variation 870891 (VCV000870891.41), dbSNP rs1281488157, ClinGen allele CA349489688.
Genomic context (GRCh38, chr2:178,662,014, plus strand): 5'-CAGGTGGAACTTCTGGCTTTTTAGGAAGCACCAGTGTTTTCTTTTCTGGCACAATTTCTT[G>A]TGGGACTTCAGGCACTTGAAAGATATTAGTAGTTTTTCACTTAGGTTAATGAGACAAATG-3'